The following is an entry in ClinVar:

NM_004304.5(ALK):c.3836G>A (p.Arg1279Lys)

Gene: ALK (ALK receptor tyrosine kinase; minus strand). Cytogenetic location: 2p23.2.
Variant type: single nucleotide variant.
Coding change: c.3836G>A on transcript NM_004304.5 (MANE Select); coding-DNA position 3836, G replaced by A.
Protein change: p.Arg1279Lys; replaces arginine 1279 with lysine.
Molecular consequence: missense variant.
Genome position (GRCh38, 1-based): chr2:29,209,786, C>T on the plus strand (G>A on the coding strand, the complement: ALK is on the minus strand). VCF-style: chr2-29209786-C-T. GRCh37 (hg19) VCF-style: chr2-29432652-C-T.
Other names: c.632G>A, p.Arg211Lys (NM_001353765.2); short protein forms R1279K, R211K.
Identifiers: ClinVar variation 950417 (VCV000950417.11), dbSNP rs1300517321, ClinGen allele CA346469525.

ClinVar aggregate classification (germline): Uncertain significance. Review status: criteria provided, multiple submitters, no conflicts (2 of 4 stars). 2 submissions from 2 submitters: Uncertain significance (2). Last evaluated 2025-04-01.

Conditions:
Hereditary cancer-predisposing syndrome. Also called: Hereditary neoplastic syndrome; Tumor predisposition; Neoplastic Syndromes, Hereditary; Hereditary Cancer Syndrome. Identifiers: Orphanet 140162, MedGen C0027672, MeSH D009386, MONDO:0015356.
Neuroblastoma, susceptibility to, 3. Also called: ALK-Related Neuroblastic Tumor Susceptibility. Identifiers: Orphanet 635, MedGen C2751681, MONDO:0013083, OMIM 613014.

Allele frequency attached by ClinVar (database versions not stated): gnomAD exomes below 0.00001; TOPMed below 0.00001.
gnomAD v4.1: 3 of 1,613,712 alleles (0.00019%); highest among the groups gnomAD compares: Non-Finnish European, 0.00025%; no homozygotes.

Submissions (2):

Labcorp Genetics (formerly Invitae), Labcorp
Classification: Uncertain significance for Neuroblastoma, susceptibility to, 3. Last evaluated: 2025-04-01. Review status: criteria provided, single submitter. Criteria: Invitae Variant Classification Sherloc (09022015). Collection method: clinical testing. Allele origin: germline.
Comment: This sequence change replaces arginine, which is basic and polar, with lysine, which is basic and polar, at codon 1279 of the ALK protein (p.Arg1279Lys). This variant also falls at the last nucleotide of exon 25, which is part of the consensus splice site for this exon. This variant is present in population databases (no rsID available, gnomAD 0.0009%). This variant has not been reported in the literature in individuals affected with ALK-related conditions. ClinVar contains an entry for this variant (Variation ID: 950417). An algorithm developed to predict the effect of missense changes on protein structure and function (PolyPhen-2) suggests that this variant is likely to be disruptive. Variants that disrupt the consensus splice site are a relatively common cause of aberrant splicing (PMID: 17576681, 9536098). In summary, the available evidence is currently insufficient to determine the role of this variant in disease. Therefore, it has been classified as a Variant of Uncertain Significance.

Ambry Genetics
Classification: Uncertain significance for Hereditary cancer-predisposing syndrome. Last evaluated: 2024-10-09. Review status: criteria provided, single submitter. Criteria: Ambry Variant Classification Scheme 2023. Collection method: clinical testing. Allele origin: germline.
Comment: The p.R1279K variant (also known as c.3836G>A), located in coding exon 25 of the ALK gene, results from a G to A substitution at nucleotide position 3836. The arginine at codon 1279 is replaced by lysine, an amino acid with highly similar properties. This nucleotide position is highly conserved in available vertebrate species. In silico splice site analysis predicts that this alteration will not have any significant effect on splicing. This amino acid position is highly conserved in available vertebrate species. In addition, as a missense substitution this is predicted to be tolerated by in silico analysis. Since supporting evidence is limited at this time, the clinical significance of this alteration remains unclear.

Literature cited by the submitters: PubMed 17576681 (cited by Labcorp Genetics (formerly Invitae), Labcorp); PubMed 9536098 (cited by Labcorp Genetics (formerly Invitae), Labcorp).